The following is an entry in ClinVar:

ClinVar aggregate classification (germline): Uncertain significance (1 of 4 stars; one submission).

Submission:

Labcorp Genetics (formerly Invitae), Labcorp
Classification: Uncertain significance. Last evaluated: 2024-04-09. Review status: criteria provided, single submitter. Criteria: Invitae Variant Classification Sherloc (09022015). Collection method: clinical testing. Allele origin: germline.
Comment: This sequence change affects codon 388 of the SOX3 mRNA. It is a 'silent' change, meaning that it does not change the encoded amino acid sequence of the SOX3 protein. The frequency data for this variant in the population databases is considered unreliable, as metrics indicate poor data quality at this position in the gnomAD database. This variant has not been reported in the literature in individuals affected with SOX3-related conditions. In summary, the available evidence is currently insufficient to determine the role of this variant in disease. Therefore, it has been classified as a Variant of Uncertain Significance.

NM_005634.3(SOX3):c.1164C>T (p.His388=)

Gene: SOX3 (SRY-box transcription factor 3; minus strand). Cytogenetic location: Xq27.1.
Variant type: single nucleotide variant.
Coding change: c.1164C>T on transcript NM_005634.3 (MANE Select); coding-DNA position 1164, C replaced by T.
Protein change: p.His388=; no amino-acid change (histidine 388 retained).
Molecular consequence: synonymous variant.
Genome position (GRCh38, 1-based): chrX:140,503,897, G>A on the plus strand (C>T on the coding strand, the complement: SOX3 is on the minus strand). VCF-style: chrX-140503897-G-A. GRCh37 (hg19) VCF-style: chrX-139586062-G-A.
Identifiers: ClinVar variation 3705346 (VCV003705346.2).